The following is an entry in ClinVar:

NM_000138.5(FBN1):c.7714G>T (p.Glu2572Ter)

Gene: FBN1 (fibrillin 1; minus strand). Cytogenetic location: 15q21.1.
Variant type: single nucleotide variant.
Coding change: c.7714G>T on transcript NM_000138.5 (MANE Select); coding-DNA position 7714, G replaced by T.
Protein change: p.Glu2572Ter; replaces glutamic acid 2572 with a stop codon.
Molecular consequence: nonsense.
Genome position (GRCh38, 1-based): chr15:48,420,792, C>A on the plus strand (G>T on the coding strand, the complement: FBN1 is on the minus strand). VCF-style: chr15-48420792-C-A. GRCh37 (hg19) VCF-style: chr15-48712989-C-A.
Other names: c.7714G>T, p.Glu2572Ter (NM_001406716.1); short protein forms E2572*.
Identifiers: ClinVar variation 2034380 (VCV002034380.4), dbSNP rs2141220835, ClinGen allele CA392324821.

ClinVar aggregate classification (germline): Pathogenic (1 of 4 stars; one submission).

Conditions:
Familial thoracic aortic aneurysm and aortic dissection (TAAD). Also called: Thoracic aortic aneurysms and dissections. Identifiers: Orphanet 91387, MedGen C4707243, MONDO:0019625.
Marfan syndrome (MFS). Also called: MARFAN SYNDROME, TYPE I; Marfan syndrome type 1; Marfan's syndrome; Marfan syndrome, classic; FBN1-Related Marfan Syndrome. Identifiers: Orphanet 284963, Orphanet 558, MedGen C0024796, MONDO:0007947, OMIM 154700.

Submission:

Labcorp Genetics (formerly Invitae), Labcorp
Classification: Pathogenic for Marfan syndrome; Familial thoracic aortic aneurysm and aortic dissection. Last evaluated: 2023-03-27. Review status: criteria provided, single submitter. Criteria: Invitae Variant Classification Sherloc (09022015). Collection method: clinical testing. Allele origin: germline.
Comment: This variant has not been reported in the literature in individuals affected with FBN1-related conditions. This sequence change creates a premature translational stop signal (p.Glu2572*) in the FBN1 gene. It is expected to result in an absent or disrupted protein product. Loss-of-function variants in FBN1 are known to be pathogenic (PMID: 17657824, 19293843). This variant is not present in population databases (gnomAD no frequency). ClinVar contains an entry for this variant (Variation ID: 2034380). For these reasons, this variant has been classified as Pathogenic.

Literature cited by the submitters: PubMed 17657824; PubMed 19293843.